The following is an entry in ClinVar:

NM_206933.4(USH2A):c.6968G>C (p.Arg2323Pro)

Gene: USH2A (usherin; minus strand). Cytogenetic location: 1q41.
Variant type: single nucleotide variant.
Coding change: c.6968G>C on transcript NM_206933.4 (MANE Select); coding-DNA position 6968, G replaced by C.
Protein change: p.Arg2323Pro; replaces arginine 2323 with proline.
Molecular consequence: missense variant.
Genome position (GRCh38, 1-based): chr1:215,965,469, C>G on the plus strand (G>C on the coding strand, the complement: USH2A is on the minus strand). VCF-style: chr1-215965469-C-G. GRCh37 (hg19) VCF-style: chr1-216138811-C-G.
Other names: short protein forms R2323P.
Identifiers: ClinVar variation 1050961 (VCV001050961.9), dbSNP rs772014718, ClinGen allele CA344852632.
Genomic context (GRCh38, chr1:215,965,469, plus strand): 5'-CGGGATCCCTGTGTTTTGACAAACACATTTACTGTTCCTTCAGGAGGAGCTTCTAGAGTT[C>G]GATTTTCCACCTGTGAGTATAAAAAGATTTATTTTTGTTTGCAAATAAAATAAGTACATG-3'
Protein context (NP_996816.3, residues 2313-2333): GCALGPLVEN[Arg2323Pro]TLEAPPEGTV

ClinVar aggregate classification (germline): Uncertain significance (1 of 4 stars; one submission).

gnomAD v4.1: 2 of 1,613,484 alleles (0.00012%); highest among the groups gnomAD compares: Non-Finnish European, 0.00017%; no homozygotes.

Submission:

Labcorp Genetics (formerly Invitae), Labcorp
Classification: Uncertain significance. Last evaluated: 2022-06-20. Review status: criteria provided, single submitter. Criteria: Invitae Variant Classification Sherloc (09022015). Collection method: clinical testing. Allele origin: germline.
Comment: This variant has not been reported in the literature in individuals affected with USH2A-related conditions. This variant is not present in population databases (gnomAD no frequency). This sequence change replaces arginine, which is basic and polar, with proline, which is neutral and non-polar, at codon 2323 of the USH2A protein (p.Arg2323Pro). ClinVar contains an entry for this variant (Variation ID: 1050961). In summary, the available evidence is currently insufficient to determine the role of this variant in disease. Therefore, it has been classified as a Variant of Uncertain Significance. Algorithms developed to predict the effect of missense changes on protein structure and function (SIFT, PolyPhen-2, Align-GVGD) all suggest that this variant is likely to be disruptive.